The following is an entry in ClinVar:

ClinVar aggregate classification (germline): Pathogenic/Likely pathogenic. Review status: criteria provided, multiple submitters, no conflicts (2 of 4 stars). 5 submissions from 5 submitters: Pathogenic (2); Likely pathogenic (2). 1 of the submissions does not count toward it. Last evaluated 2026-07-31.

Conditions:
PROM1-related disorder. Also called: PROM1-related condition; PROM1-related disorders.
Retinitis pigmentosa (RP). Identifiers: Orphanet 791, MedGen C0035334, MeSH D012174, MONDO:0019200, OMIM 268000. Inheritance: Autosomal dominant, autosomal recessive and X linked inheritance.

Allele frequency attached by ClinVar (database versions not stated): gnomAD exomes below 0.00001; gnomAD 0.00001; TOPMed 0.00001.
gnomAD v4.1: 8 of 1,611,294 alleles (0.0005%); highest among the groups gnomAD compares: East Asian, 0.0022%; no homozygotes.

Submissions (5):

PreventionGenetics, part of Exact Sciences
Classification: Likely pathogenic for PROM1-related condition. Last evaluated: 2026-07-31. Review status: criteria provided, single submitter. Criteria: ACMG Guidelines, 2015. Collection method: clinical testing. Allele origin: germline.
Comment: The PROM1 c.2110C>T variant is predicted to result in the amino acid substitution p.Arg704Cys. This variant, also called c.2083C>T, p.Arg695Cys in the literature, has been reported in the heterozygous state in three individuals from a family including a parent with cone-rod dystrophy and two children with only foveal changes noted upon examination (Lin et al. 2023. PubMed ID: 37975849). The variant has also been reported in combination with another PROM1 variant of uncertain significance in an individual with retinitis pigmentosa (Table S4, Jespersgaard et al. 2019. PubMed ID: 30718709). At PreventionGenetics, this variant has been noted in the heterozygous state in unrelated individuals with PROM1-related retinal disease. Additionally, this variant has been reported in large cohort studies of retinal disease (Table S2, Gao et al. 2019. PubMed ID: 31054281; Table S1, Karali et al. 2022. PubMed ID: 36460718), including a cohort where the variant was reported in the heterozygous state with presumed autosomal dominant inheritance (Table S1, Lin et al. 2024. PubMed ID: 38219857). This variant is present in 0.00089% of alleles in individuals of European (non-Finnish) descent in gnomAD and is classified as likely pathogenic or pathogenic in ClinVar (Variation ID: 636223). This variant is interpreted as likely pathogenic for autosomal dominant disease.

3billion
Classification: Likely pathogenic for PROM1-related disorder. Last evaluated: 2025-11-17. Review status: criteria provided, single submitter. Criteria: ACMG Guidelines, 2015. Collection method: clinical testing. Allele origin: germline. Affected: yes.
Comment: The variant is observed at an extremely low frequency in the gnomAD v4.1.0 dataset (total allele frequency: <0.001%). Predicted Consequence/Location: Missense variant. The majority of the known disease-causing variants of this gene are variants expected to result in premature termination of the protein. The same nucleotide change resulting in the same amino acid change has been previously reported as pathogenic/likely pathogenic with strong evidence (ClinVar ID: VCV000636223). Therefore, this variant is classified as Likely pathogenic according to the recommendation of ACMG/AMP guideline.

Labcorp Genetics (formerly Invitae), Labcorp
Classification: Pathogenic. Last evaluated: 2025-09-22. Review status: criteria provided, single submitter. Criteria: Invitae Variant Classification Sherloc (09022015). Collection method: clinical testing. Allele origin: germline.
Comment: This sequence change replaces arginine, which is basic and polar, with cysteine, which is neutral and slightly polar, at codon 704 of the PROM1 protein (p.Arg704Cys). The frequency data for this variant in the population databases is considered unreliable, as metrics indicate poor data quality at this position in the gnomAD database. This missense change has been observed in individuals with clinical features of autosomal dominant PROM1-related conditions (PMID: 37975849; internal data). It has also been observed to segregate with disease in related individuals. This variant has been reported in individual(s) with autosomal recessive retinal dystrophy (PMID: 30718709; internal data); however, the role of the variant in this condition is currently unclear. ClinVar contains an entry for this variant (Variation ID: 636223). Invitae Evidence Modeling of protein sequence and biophysical properties (such as structural, functional, and spatial information, amino acid conservation, physicochemical variation, residue mobility, and thermodynamic stability) indicates that this missense variant is expected to disrupt PROM1 protein function with a positive predictive value of 80%. For these reasons, this variant has been classified as Pathogenic.

Blueprint Genetics
Classification: Pathogenic for PROM1-related disorders. Last evaluated: 2024-10-21. Review status: criteria provided, single submitter. Criteria: ACMG Guidelines, 2015. Collection method: clinical testing. Allele origin: germline. Affected: yes. Observed: 5 variant alleles.

Department of Clinical Genetics, Copenhagen University Hospital, Rigshospitalet
Classification: Uncertain significance for Retinitis pigmentosa. Last evaluated: 2018-04-01. Review status: no assertion criteria provided. Collection method: research. Allele origin: unknown. Affected: yes. Study: VeluxRD. Not counted in ClinVar's aggregate classification.

Literature cited by the submitters: PubMed 37975849 (cited by Labcorp Genetics (formerly Invitae), Labcorp); PubMed 30718709 (cited by Labcorp Genetics (formerly Invitae), Labcorp and Department of Clinical Genetics, Copenhagen University Hospital, Rigshospitalet).

NM_006017.3(PROM1):c.2110C>T (p.Arg704Cys)

Gene: PROM1 (prominin 1; minus strand). Cytogenetic location: 4p15.32.
Variant type: single nucleotide variant.
Coding change: c.2110C>T on transcript NM_006017.3 (MANE Select); coding-DNA position 2110, C replaced by T.
Protein change: p.Arg704Cys; replaces arginine 704 with cysteine.
Molecular consequence: missense variant.
Genome position (GRCh38, 1-based): chr4:15,987,683, G>A on the plus strand (C>T on the coding strand, the complement: PROM1 is on the minus strand). VCF-style: chr4-15987683-G-A. GRCh37 (hg19) VCF-style: chr4-15989306-G-A.
Other names: c.2083C>T, p.Arg695Cys (NM_001145847.2, NM_001145848.2, NM_001145851.2 and 4 more transcripts); c.2110C>T, p.Arg704Cys (NM_001145849.2, NM_001145850.2); short protein forms R704C, R695C.
Identifiers: ClinVar variation 636223 (VCV000636223.14), dbSNP rs1302809734, ClinGen allele CA356429042.
Genomic context (GRCh38, chr4:15,987,683, plus strand): 5'-ATAACAAAACCCCATGACAGAAAACAAAGTAAACCCTTACCAACAATCCATTCCCTGTGC[G>A]TTGAAGTATCTTGACGCTTTGGTATAGAGTGCTCTGGCAAGAAACAGATAATATTTCCAA-3'
Protein context (NP_006008.1, residues 694-714): TLYQSVKILQ[Arg704Cys]TGNGLLERVT